The following is an entry in ClinVar:

ClinVar aggregate classification (germline): Conflicting classifications of pathogenicity. Review status: criteria provided, conflicting classifications (1 of 4 stars). 12 submissions from 12 submitters: Uncertain significance (9); Likely benign (2). 1 of the submissions does not count toward it. Last evaluated 2026-02-02.

Conditions:
Classic or attenuated familial adenomatous polyposis. Identifiers: MedGen CN372698, MONDO:0021057.
APC-related disorder. Also called: APC-related condition.
Hereditary cancer-predisposing syndrome. Also called: Tumor predisposition; Hereditary Cancer Syndrome; Neoplastic Syndromes, Hereditary; Hereditary neoplastic syndrome. Identifiers: Orphanet 140162, MedGen C0027672, MeSH D009386, MONDO:0015356.
Gastric adenocarcinoma and proximal polyposis of the stomach (GAPPS). Also called: Gastric Adenocarcinoma and Proximal Polyposis of the Stomach (GAPPS); POLYPOSIS, GASTRIC; Polyposis, gastric, Dos Santos and de Magalhaes 1980. Identifiers: Orphanet 314022, MedGen C4749917, MONDO:0017790, OMIM 619182.
Hepatocellular carcinoma (HCC). Also called: Primary carcinoma of liver; HEPATOMA; LIVER CELL CARCINOMA. Identifiers: Orphanet 88673, MedGen C2239176, MONDO:0007256, OMIM 114550, HP:0001402.
Desmoid disease, hereditary (DESMD). Also called: FIBROMATOSIS, FAMILIAL INFILTRATIVE. Identifiers: Orphanet 873, MedGen C1851124, OMIM 135290. Disease mechanism: loss of function.
Colorectal cancer. Also called: Malignant Colorectal Neoplasm; Colorectal cancer, somatic. Identifiers: MedGen C0346629, MONDO:0005575, OMIM 114500.
Gastric cancer. Also called: Stomach cancer; Malignant tumor of stomach. Identifiers: MedGen C0024623, MeSH D013274, MONDO:0001056, OMIM 613659, HP:0012126.
Familial adenomatous polyposis 1 (FAP1). Also called: FAMILIAL ADENOMATOUS POLYPOSIS 1, ATTENUATED; POLYPOSIS, ADENOMATOUS INTESTINAL. Identifiers: MedGen C2713442, MONDO:0021056, OMIM 175100. Disease mechanism: loss of function.

Allele frequency attached by ClinVar (database versions not stated): gnomAD 0.00001 and 0.00002; gnomAD exomes 0.00001 and 0.00002; ExAC 0.00002; TOPMed 0.00003.
gnomAD v4.1: 29 of 1,613,774 alleles (0.0018%); highest among the groups gnomAD compares: Non-Finnish European, 0.0024%; no homozygotes.

Submissions (12):

Labcorp Genetics (formerly Invitae), Labcorp
Classification: Uncertain significance for Familial adenomatous polyposis 1. Last evaluated: 2026-02-02. Review status: criteria provided, single submitter. Criteria: Invitae Variant Classification Sherloc (09022015). Collection method: clinical testing. Allele origin: germline.
Comment: This sequence change replaces valine, which is neutral and non-polar, with alanine, which is neutral and non-polar, at codon 2686 of the APC protein (p.Val2686Ala). This variant is present in population databases (rs757901425, gnomAD 0.003%). This missense change has been observed in individual(s) with APC-related conditions (PMID: 28726808). ClinVar contains an entry for this variant (Variation ID: 243109). Invitae Evidence Modeling of protein sequence and biophysical properties (such as structural, functional, and spatial information, amino acid conservation, physicochemical variation, residue mobility, and thermodynamic stability) indicates that this missense variant is not expected to disrupt APC protein function with a negative predictive value of 95%. In summary, the available evidence is currently insufficient to determine the role of this variant in disease. Therefore, it has been classified as a Variant of Uncertain Significance.

GeneDx
Classification: Uncertain significance. Last evaluated: 2024-12-17. Review status: criteria provided, single submitter. Criteria: GeneDx Variant Classification Process June 2021. Collection method: clinical testing. Allele origin: germline. Affected: yes.
Comment: Observed in an individual with a personal and family history of pancreatic cancer (PMID: 28726808); Not observed at significant frequency in large population cohorts (gnomAD); In silico analysis indicates that this missense variant does not alter protein structure/function; This variant is associated with the following publications: (PMID: 28726808, 18199528)

Quest Diagnostics Nichols Institute San Juan Capistrano
Classification: Uncertain significance. Last evaluated: 2024-11-05. Review status: criteria provided, single submitter. Criteria: Quest Diagnostics criteria. Collection method: clinical testing. Allele origin: unknown.
Comment: The APC c.8057T>C (p.Val2686Ala) variant has been reported in the published literature in an individual with pancreatic cancer (PMID: 28726808 (2018)). The frequency of this variant in the general population, 0.000026 (3/113572 chromosomes (Genome Aggregation Database)), is uninformative in the assessment of its pathogenicity. Analysis of this variant using bioinformatics tools for the prediction of the effect of amino acid changes on protein structure and function yielded conflicting predictions that this variant is deleterious or benign. Based on the available information, we are unable to determine the clinical significance of this variant.

Fulgent Genetics
Classification: Uncertain significance for Colorectal cancer; Hepatocellular carcinoma; Desmoid disease, hereditary; Familial adenomatous polyposis 1; Gastric cancer; Gastric adenocarcinoma and proximal polyposis of the stomach. Last evaluated: 2024-04-16. Review status: criteria provided, single submitter. Criteria: ACMG Guidelines, 2015. Collection method: clinical testing. Allele origin: germline.

Baylor Genetics
Classification: Uncertain significance for Familial adenomatous polyposis 1. Last evaluated: 2024-02-23. Review status: criteria provided, single submitter. Criteria: ACMG Guidelines, 2015. Collection method: clinical testing. Allele origin: unknown.

All of Us Research Program, National Institutes of Health
Classification: Uncertain significance for Classic or attenuated familial adenomatous polyposis. Last evaluated: 2024-01-22. Review status: criteria provided, single submitter. Criteria: ACMG Guidelines, 2015. Collection method: clinical testing. Allele origin: germline. Inheritance: Autosomal dominant inheritance. Observed: 11 variant alleles, 11 heterozygotes.
Comment: This missense variant replaces valine with alanine at codon 2686 of the APC protein. Computational prediction suggests that this variant may not impact protein structure and function (internally defined REVEL score threshold <= 0.5, PMID: 27666373). To our knowledge, functional studies have not been reported for this variant. This variant has been reported in individuals affected with pancreatic cancer (PMID: 28726808). This variant has been identified in 3/251260 chromosomes in the general population by the Genome Aggregation Database (gnomAD). The available evidence is insufficient to determine the role of this variant in disease conclusively. Therefore, this variant is classified as a Variant of Uncertain Significance.

This study involves interpretation of variants in research participants for the purpose of population health screening. Participant phenotype was not available at the time of variant classification. Additional details can be found in publication PMID: 35346344, PMCID: PMC8962531

Color Diagnostics, LLC DBA Color Health
Classification: Uncertain significance for Hereditary cancer-predisposing syndrome. Last evaluated: 2023-12-14. Review status: criteria provided, single submitter. Criteria: ACMG Guidelines, 2015. Collection method: clinical testing. Allele origin: germline.
Comment: This missense variant replaces valine with alanine at codon 2686 of the APC protein. Computational prediction suggests that this variant may not impact protein structure and function (internally defined REVEL score threshold <= 0.5, PMID: 27666373). To our knowledge, functional studies have not been reported for this variant. This variant has been reported in individuals affected with pancreatic cancer (PMID: 28726808). This variant has been identified in 3/251260 chromosomes in the general population by the Genome Aggregation Database (gnomAD). The available evidence is insufficient to determine the role of this variant in disease conclusively. Therefore, this variant is classified as a Variant of Uncertain Significance.

CeGaT Center for Human Genetics Tuebingen
Classification: Likely benign. Last evaluated: 2023-11-01. Review status: criteria provided, single submitter. Criteria: CeGaT Center For Human Genetics Tuebingen Variant Classification Criteria Version 2. Collection method: clinical testing. Allele origin: germline. Affected: yes. Observed: 1 variant allele.
Comment: APC: BP4

Institute for Clinical Genetics, University Hospital TU Dresden, University Hospital TU Dresden
Classification: Uncertain significance. Last evaluated: 2021-11-03. Review status: criteria provided, single submitter. Criteria: ACMG Guidelines, 2015. Collection method: clinical testing. Allele origin: germline.

Ambry Genetics
Classification: Likely benign for Hereditary cancer-predisposing syndrome. Last evaluated: 2020-07-13. Review status: criteria provided, single submitter. Criteria: Ambry Variant Classification Scheme 2023. Collection method: clinical testing. Allele origin: germline.

Women's Health and Genetics/Laboratory Corporation of America, LabCorp
Classification: Uncertain significance. Last evaluated: 2018-07-02. Review status: criteria provided, single submitter. Criteria: LabCorp Variant Classification Summary - May 2015. Collection method: clinical testing. Allele origin: germline.
Comment: Variant summary: APC c.8057T>C (p.Val2686Ala) results in a non-conservative amino acid change located in the EB-1 binding of the encoded protein sequence. Three of five in-silico tools predict a benign effect of the variant on protein function. The variant allele was found at a frequency of 1.2e-05 in 246028 control chromosomes (gnomAD). The available data on variant occurrences in the general population are insufficient to allow any conclusion about variant significance. To our knowledge, no occurrence of c.8057T>C in individuals affected with Familial Adenomatous Polyposis and no experimental evidence demonstrating its impact on protein function have been reported. Four ClinVar submissions from clinical diagnostic laboratories (evaluation after 2014) cite the variant as "uncertain significance." Based on the evidence outlined above, the variant was classified as uncertain significance.

PreventionGenetics, part of Exact Sciences
Classification: Uncertain significance for APC-related condition. Last evaluated: 2024-04-09. Review status: no assertion criteria provided. Collection method: clinical testing. Allele origin: germline. Not counted in ClinVar's aggregate classification.
Comment: The APC c.8057T>C variant is predicted to result in the amino acid substitution p.Val2686Ala. This variant was identified in an individual with a personal and family history of pancreatic cancer (Chaffee et al. 2017. PubMed ID: 28726808). This variant is reported in 0.0026% of alleles in individuals of European (Non-Finnish) descent in gnomAD and has conflicting interpretations of pathogenicity in ClinVar, ranging from likely benign to uncertain. At this time, the clinical significance of this variant is uncertain due to the absence of conclusive functional and genetic evidence.

Literature cited by the submitters: PubMed 28726808 (cited by 5 submitters).

NM_000038.6(APC):c.8057T>C (p.Val2686Ala)

Gene: APC (APC regulator of Wnt signaling pathway; plus strand). Cytogenetic location: 5q22.2.
Variant type: single nucleotide variant.
Coding change: c.8057T>C on transcript NM_000038.6 (MANE Select); coding-DNA position 8057, T replaced by C.
Protein change: p.Val2686Ala; replaces valine 2686 with alanine.
Molecular consequence: missense variant.
Genome position (GRCh38, 1-based): chr5:112,843,651, T>C. VCF-style: chr5-112843651-T-C. GRCh37 (hg19) VCF-style: chr5-112179348-T-C.
Other names: c.8057T>C, p.Val2686Ala (NM_001127510.3, NM_001354895.2); c.8003T>C, p.Val2668Ala (NM_001127511.3); c.8111T>C, p.Val2704Ala (NM_001354896.2); c.8087T>C, p.Val2696Ala (NM_001354897.2); c.7982T>C, p.Val2661Ala (NM_001354898.2); c.7973T>C, p.Val2658Ala (NM_001354899.2); c.7934T>C, p.Val2645Ala (NM_001354900.2); c.7880T>C, p.Val2627Ala (NM_001354901.2); and 5 more; short protein forms V2668A, V2686A, V2403A, V2526A, V2560A, V2585A, V2658A, V2661A.
Identifiers: ClinVar variation 243109 (VCV000243109.57), dbSNP rs757901425, ClinGen allele CA049793.
Genomic context (GRCh38, chr5:112,843,651, plus strand): 5'-TTAACAATCCTAGATCTGGAAGATCTCCCACAGGTAATACTCCCCCGGTGATTGACAGTG[T>C]TTCAGAAAAGGCAAATCCAAACATTAAAGATTCAAAAGATAATCAGGCAAAACAAAATGT-3'
Protein context (NP_000029.2, residues 2676-2696): TGNTPPVIDS[Val2686Ala]SEKANPNIKD